The following is an entry in ClinVar:

NM_178335.3(CCDC50):c.487G>A (p.Gly163Arg)

Gene: CCDC50 (coiled-coil domain containing 50; plus strand). Cytogenetic location: 3q28.
Variant type: single nucleotide variant.
Coding change: c.487G>A on transcript NM_178335.3 (MANE Select); coding-DNA position 487, G replaced by A.
Protein change: p.Gly163Arg; replaces glycine 163 with arginine.
Molecular consequence: missense variant. On other transcripts: intron variant (1).
Genome position (GRCh38, 1-based): chr3:191,375,100, G>A. VCF-style: chr3-191375100-G-A. GRCh37 (hg19) VCF-style: chr3-191092889-G-A.
Other names: c.449-5059G>A (NM_174908.4); short protein forms G163R.
Identifiers: ClinVar variation 4536325 (VCV004536325.2).

ClinVar aggregate classification (germline): Uncertain significance. Review status: criteria provided, multiple submitters, no conflicts (2 of 4 stars). 2 submissions from 2 submitters: Uncertain significance (2). Last evaluated 2025-06-04.

gnomAD v4.1: 6 of 1,613,414 alleles (0.00037%); highest among the groups gnomAD compares: Admixed American, 0.0067%; no homozygotes.

Submissions (2):

GeneDx
Classification: Uncertain significance. Last evaluated: 2025-06-04. Review status: criteria provided, single submitter. Criteria: GeneDx Variant Classification Process June 2021. Collection method: clinical testing. Allele origin: germline. Affected: yes.
Comment: In silico analysis suggests that this missense variant does not alter protein structure/function; Has not been previously published as pathogenic or benign to our knowledge

Labcorp Genetics (formerly Invitae), Labcorp
Classification: Uncertain significance. Last evaluated: 2025-03-18. Review status: criteria provided, single submitter. Criteria: Invitae Variant Classification Sherloc (09022015). Collection method: clinical testing. Allele origin: germline.
Comment: This sequence change replaces glycine, which is neutral and non-polar, with arginine, which is basic and polar, at codon 163 of the CCDC50 protein (p.Gly163Arg). This variant is present in population databases (rs775923259, gnomAD 0.009%). This variant has not been reported in the literature in individuals affected with CCDC50-related conditions. An algorithm developed to predict the effect of missense changes on protein structure and function (PolyPhen-2) suggests that this variant is likely to be disruptive. In summary, the available evidence is currently insufficient to determine the role of this variant in disease. Therefore, it has been classified as a Variant of Uncertain Significance.